The following is an entry in ClinVar:

NM_001844.5(COL2A1):c.1480C>T (p.Arg494Cys)

Gene: COL2A1 (collagen type II alpha 1 chain; minus strand). Cytogenetic location: 12q13.11.
Variant type: single nucleotide variant.
Coding change: c.1480C>T on transcript NM_001844.5 (MANE Select); coding-DNA position 1480, C replaced by T.
Protein change: p.Arg494Cys; replaces arginine 494 with cysteine.
Molecular consequence: missense variant.
Genome position (GRCh38, 1-based): chr12:47,986,383, G>A on the plus strand (C>T on the coding strand, the complement: COL2A1 is on the minus strand). VCF-style: chr12-47986383-G-A. GRCh37 (hg19) VCF-style: chr12-48380166-G-A.
Other names: c.1273C>T, p.Arg425Cys (NM_033150.3); short protein forms R425C, R494C.
Identifiers: ClinVar variation 1929431 (VCV001929431.6), dbSNP rs1353156898, ClinGen allele CA384552633.

ClinVar aggregate classification (germline): Conflicting classifications of pathogenicity. Review status: criteria provided, conflicting classifications (1 of 4 stars). 2 submissions from 2 submitters: Likely pathogenic (1); Uncertain significance (1). Last evaluated 2025-03-31.

Conditions:
COL2A1-related disorder. Also called: COL2A1-related condition; COL2A1-related disorders.

Allele frequency attached by ClinVar (database versions not stated): gnomAD exomes below 0.00001.

Submissions (2):

3billion
Classification: Likely pathogenic for COL2A1-related disorder. Last evaluated: 2025-03-31. Review status: criteria provided, single submitter. Criteria: ACMG Guidelines, 2015. Collection method: clinical testing. Allele origin: germline. Affected: yes.

Labcorp Genetics (formerly Invitae), Labcorp
Classification: Uncertain significance. Last evaluated: 2022-05-27. Review status: criteria provided, single submitter. Criteria: Invitae Variant Classification Sherloc (09022015). Collection method: clinical testing. Allele origin: germline.
Comment: In summary, the available evidence is currently insufficient to determine the role of this variant in disease. Therefore, it has been classified as a Variant of Uncertain Significance. This sequence change replaces arginine, which is basic and polar, with cysteine, which is neutral and slightly polar, at codon 494 of the COL2A1 protein (p.Arg494Cys). Advanced modeling of protein sequence and biophysical properties (such as structural, functional, and spatial information, amino acid conservation, physicochemical variation, residue mobility, and thermodynamic stability) performed at Invitae indicates that this missense variant is expected to disrupt COL2A1 protein function. This missense change has been observed in individual(s) with clinical features of COL2A1-related conditions (PMID: 32510848). This variant is not present in population databases (gnomAD no frequency).

Literature cited by the submitters: PubMed 32510848 (cited by 3billion and Labcorp Genetics (formerly Invitae), Labcorp).